The following is an entry in ClinVar:

ClinVar aggregate classification (germline): Benign/Likely benign. Review status: criteria provided, multiple submitters, no conflicts (2 of 4 stars). 4 submissions from 4 submitters: Benign (1); Likely benign (2). 1 of the submissions does not count toward it. Last evaluated 2026-01-25.

Conditions:
Inborn genetic diseases. Identifiers: MedGen C0950123, MeSH D030342.
F5-related disorder. Also called: F5-related condition.
Congenital factor V deficiency. Also called: LABILE FACTOR DEFICIENCY; OWREN PARAHEMOPHILIA; PARAHEMOPHILIA; Hereditary factor V deficiency disease. Identifiers: Orphanet 326, MedGen C0015499, MONDO:0009210, OMIM 227400.

Allele frequency attached by ClinVar (database versions not stated): ExAC 0.00019; 1000 Genomes Project 30x 0.00031; 1000 Genomes Project 0.00040; ESP Exome Variant Server 0.00077; gnomAD 0.00090; TOPMed 0.00096.
gnomAD v4.1: 275 of 1,614,076 alleles (0.017%); highest among the groups gnomAD compares: African/African-American, 0.31%; no homozygotes.

Submissions (4):

Labcorp Genetics (formerly Invitae), Labcorp
Classification: Benign for Congenital factor V deficiency. Last evaluated: 2026-01-25. Review status: criteria provided, single submitter. Criteria: Invitae Variant Classification Sherloc (09022015). Collection method: clinical testing. Allele origin: germline.

Blueprint Genetics
Classification: Likely benign. Last evaluated: 2024-10-08. Review status: criteria provided, single submitter. Criteria: ACMG Guidelines, 2015. Collection method: clinical testing. Allele origin: germline.

Ambry Genetics
Classification: Likely benign for Inborn genetic diseases. Last evaluated: 2022-10-09. Review status: criteria provided, single submitter. Criteria: Ambry Variant Classification Scheme 2023. Collection method: clinical testing. Allele origin: germline.

PreventionGenetics, part of Exact Sciences
Classification: Likely benign for F5-related condition. Last evaluated: 2023-11-30. Review status: no assertion criteria provided. Collection method: clinical testing. Allele origin: germline. Not counted in ClinVar's aggregate classification.
Comment: This variant is classified as likely benign based on ACMG/AMP sequence variant interpretation guidelines (Richards et al. 2015 PMID: 25741868, with internal and published modifications).

NM_000130.5(F5):c.5949C>T (p.His1983=)

Gene: F5 (coagulation factor V; minus strand). Cytogenetic location: 1q24.2.
Variant type: single nucleotide variant.
Coding change: c.5949C>T on transcript NM_000130.5 (MANE Select); coding-DNA position 5949, C replaced by T.
Protein change: p.His1983=; no amino-acid change (histidine 1983 retained).
Molecular consequence: synonymous variant.
Genome position (GRCh38, 1-based): chr1:169,523,296, G>A on the plus strand (C>T on the coding strand, the complement: F5 is on the minus strand). VCF-style: chr1-169523296-G-A. GRCh37 (hg19) VCF-style: chr1-169492534-G-A.
Identifiers: ClinVar variation 1750654 (VCV001750654.8), dbSNP rs146120992, ClinGen allele CA1233351.